The following is an entry in ClinVar:

NM_000170.3(GLDC):c.714-1G>A

Gene: GLDC (glycine decarboxylase; minus strand). Cytogenetic location: 9p24.1.
Variant type: single nucleotide variant.
Coding change: c.714-1G>A on transcript NM_000170.3 (MANE Select); the canonical splice acceptor site of the intron before coding-DNA position 714, G replaced by A.
Molecular consequence: splice acceptor variant.
Genome position (GRCh38, 1-based): chr9:6,605,279, C>T on the plus strand (G>A on the coding strand, the complement: GLDC is on the minus strand). VCF-style: chr9-6605279-C-T. GRCh37 (hg19) VCF-style: chr9-6605279-C-T.
Identifiers: ClinVar variation 1480394 (VCV001480394.8), dbSNP rs2129898670, ClinGen allele CA372896844.
Genomic context (GRCh38, chr9:6,605,279, plus strand): 5'-TCTTTTCCACTGAAGTCCATTTCACAGGGTAACTTCAGCTCAGTGAGGACTCCAGTATAT[C>T]TGGAAAGACAGACAACAAAGAACAATCGTGCTTTCGGTTTATAAGGGAAAATTAATTAAC-3'

ClinVar aggregate classification (germline): Likely pathogenic (1 of 4 stars; one submission).

Conditions:
Glycine encephalopathy. Also called: Non-ketotic hyperglycinemia; Nonketotic hyperglycinemia. Identifiers: Orphanet 407, MedGen C0751748, MONDO:0011612, HP:0008288.

Submission:

Labcorp Genetics (formerly Invitae), Labcorp
Classification: Likely pathogenic for Glycine encephalopathy. Last evaluated: 2021-06-26. Review status: criteria provided, single submitter. Criteria: Invitae Variant Classification Sherloc (09022015). Collection method: clinical testing. Allele origin: germline.
Comment: In summary, the currently available evidence indicates that the variant is pathogenic, but additional data are needed to prove that conclusively. Therefore, this variant has been classified as Likely Pathogenic. Algorithms developed to predict the effect of sequence changes on RNA splicing suggest that this variant may disrupt the consensus splice site, but this prediction has not been confirmed by published transcriptional studies. This sequence change affects an acceptor splice site in intron 5 of the GLDC gene. It is expected to disrupt RNA splicing. Variants that disrupt the donor or acceptor splice site typically lead to a loss of protein function (PMID: 16199547), and loss-of-function variants in GLDC are known to be pathogenic (PMID: 16601880). This variant is not present in population databases (ExAC no frequency). This variant has not been reported in the literature in individuals with GLDC-related conditions.

Literature cited by the submitters: PubMed 16199547; PubMed 16601880.